The following is an entry in ClinVar:

ClinVar aggregate classification (germline): Uncertain significance. Review status: criteria provided, multiple submitters, no conflicts (2 of 4 stars). 2 submissions from 2 submitters: Uncertain significance (2). Last evaluated 2026-02-02.

Conditions:
Congenital disorder of glycosylation (CDG). Also called: Congenital disorders of glycosylation; Carbohydrate-deficient glycoprotein syndrome. Identifiers: Orphanet 137, MedGen C0282577, MONDO:0015286.

Allele frequency attached by ClinVar (database versions not stated): ExAC 0.00007; ESP Exome Variant Server 0.00008; gnomAD 0.00009; TOPMed 0.00012.
gnomAD v4.1: 102 of 1,614,090 alleles (0.0063%); highest among the groups gnomAD compares: Middle Eastern, 0.049%; no homozygotes.

Submissions (2):

Labcorp Genetics (formerly Invitae), Labcorp
Classification: Uncertain significance for Congenital disorder of glycosylation. Last evaluated: 2026-02-02. Review status: criteria provided, single submitter. Criteria: Invitae Variant Classification Sherloc (09022015). Collection method: clinical testing. Allele origin: germline.
Comment: This sequence change replaces arginine, which is basic and polar, with threonine, which is neutral and polar, at codon 76 of the RPN2 protein (p.Arg76Thr). This variant is present in population databases (rs200744192, gnomAD 0.02%). This variant has not been reported in the literature in individuals affected with RPN2-related conditions. ClinVar contains an entry for this variant (Variation ID: 2077665). An algorithm developed to predict the effect of missense changes on protein structure and function (PolyPhen-2) suggests that this variant is likely to be tolerated. In summary, the available evidence is currently insufficient to determine the role of this variant in disease. Therefore, it has been classified as a Variant of Uncertain Significance.

Ambry Genetics
Classification: Uncertain significance. Last evaluated: 2025-04-07. Review status: criteria provided, single submitter. Criteria: Ambry Variant Classification Scheme 2023. Collection method: clinical testing. Allele origin: germline.

NM_002951.5(RPN2):c.227G>C (p.Arg76Thr)

Gene: RPN2 (ribophorin II; plus strand). Cytogenetic location: 20q11.23.
Variant type: single nucleotide variant.
Coding change: c.227G>C on transcript NM_002951.5 (MANE Select); coding-DNA position 227, G replaced by C.
Protein change: p.Arg76Thr; replaces arginine 76 with threonine.
Molecular consequence: missense variant. On other transcripts: intron variant (2).
Genome position (GRCh38, 1-based): chr20:37,198,416, G>C. VCF-style: chr20-37198416-G-C. GRCh37 (hg19) VCF-style: chr20-35826819-G-C.
Other names: c.227G>C, p.Arg76Thr (NM_001324299.2, NM_001324301.2, NM_001324302.2 and 3 more transcripts); c.227G>C (NM_002951.3); c.208-634G>C (NM_001135771.3); c.9-5469G>C (NM_001324306.2); short protein forms R76T.
Identifiers: ClinVar variation 2077665 (VCV002077665.5), dbSNP rs200744192, ClinGen allele CA9846790.